The following is an entry in ClinVar:

ClinVar aggregate classification (germline): Uncertain significance (1 of 4 stars; one submission).

Allele frequency attached by ClinVar (database versions not stated): gnomAD exomes below 0.00001; ExAC 0.00001.
gnomAD v4.1: 3 of 1,612,272 alleles (0.00019%); highest among the groups gnomAD compares: Admixed American, 0.0033%; no homozygotes.

Submission:

Labcorp Genetics (formerly Invitae), Labcorp
Classification: Uncertain significance. Last evaluated: 2022-02-10. Review status: criteria provided, single submitter. Criteria: Invitae Variant Classification Sherloc (09022015). Collection method: clinical testing. Allele origin: germline.
Comment: In summary, the available evidence is currently insufficient to determine the role of this variant in disease. Therefore, it has been classified as a Variant of Uncertain Significance. Advanced modeling of protein sequence and biophysical properties (such as structural, functional, and spatial information, amino acid conservation, physicochemical variation, residue mobility, and thermodynamic stability) performed at Invitae indicates that this missense variant is expected to disrupt SPEG protein function. This variant has not been reported in the literature in individuals affected with SPEG-related conditions. This variant is present in population databases (rs766118266, gnomAD 0.009%). This sequence change replaces serine, which is neutral and polar, with phenylalanine, which is neutral and non-polar, at codon 364 of the SPEG protein (p.Ser364Phe).

NM_005876.5(SPEG):c.1091C>T (p.Ser364Phe)

Gene: SPEG (striated muscle enriched protein kinase; plus strand). Cytogenetic location: 2q35.
Variant type: single nucleotide variant.
Coding change: c.1091C>T on transcript NM_005876.5 (MANE Select); coding-DNA position 1091, C replaced by T.
Protein change: p.Ser364Phe; replaces serine 364 with phenylalanine.
Molecular consequence: missense variant.
Genome position (GRCh38, 1-based): chr2:219,448,249, C>T. VCF-style: chr2-219448249-C-T. GRCh37 (hg19) VCF-style: chr2-220312971-C-T.
Other names: short protein forms S364F.
Identifiers: ClinVar variation 1926053 (VCV001926053.5), dbSNP rs766118266, ClinGen allele CA2125655.